The following is an entry in ClinVar:

ClinVar aggregate classification (germline): Pathogenic. Review status: criteria provided, single submitter (1 of 4 stars). 2 submissions from 2 submitters: Pathogenic (1). 1 of the submissions does not count toward it. Last evaluated 2025-08-12.

Conditions:
Pyruvate dehydrogenase E1-alpha deficiency (PDHAD). Also called: ATAXIA, INTERMITTENT, WITH PYRUVATE DEHYDROGENASE DEFICIENCY; ATAXIA WITH LACTIC ACIDOSIS I; ATAXIA, INTERMITTENT, WITH ABNORMAL PYRUVATE METABOLISM; Ataxia, intermittent, with pyruvate dehydrogenase, or decarboxylase, deficiency. Identifiers: Orphanet 79243, MedGen C1839413, MONDO:0010717, OMIM 312170.

Submissions (2):

Variantyx, Inc.
Classification: Pathogenic for Pyruvate dehydrogenase E1-alpha deficiency. Last evaluated: 2025-08-12. Review status: criteria provided, single submitter. Criteria: Variantyx Assertion Criteria 2022. Collection method: clinical testing. Allele origin: maternal. Inheritance: X-linked dominant inheritance. Affected: yes.
Comment: This is a nonsense variant in the PDHA1 gene (OMIM: 300502). Pathogenic variants in this gene have been associated with X-linked pyruvate dehydrogenase E1-alpha deficiency. The clinical symptoms reported for this individual are highly specific for X-linked pyruvate dehydrogenase E1-alpha deficiency, which has a limited genetic etiology (PMID: 34138529) (PP4). This variant introduces a premature termination codon in exon 5 out of 11 and is expected to result in loss of function, which is a known disease mechanism for PDHA1 in this disorder (PMID: 21914562, 33504798) (PVS1). This variant is absent from control populations (PM2). Based on the current evidence, this variant is classified as pathogenic for X-linked pyruvate dehydrogenase E1-alpha deficiency.

PDHA1 Study Group, University Children’s Hospital, Paracelsus Medical University
Classification: Pathogenic for Pyruvate dehydrogenase E1-alpha deficiency. Last evaluated: 2024-10-15. Review status: no assertion criteria provided. Collection method: research. Allele origin: de novo. Affected: yes. Observed: 1 variant allele. Not counted in ClinVar's aggregate classification.
Comment: The NM_000284.3:c.421C>T (p.Arg141*) change is a nonsense variant in PDHA1 gene. This variant is predicted to result in nonsense-mediated decay (NMD). Among them, 1 case had confirmed de novo occurrence. Last literature search: July 12, 2024. This variant is absent or extremely rare in population-based cohorts in the Genome Aggregation Database (gnomAD). Individuals harboring this variant presented with clinical features compatible with PDHA1-related PDHc deficiency. In summary, this variant meets criteria to be classified as pathogenic (P) for PDHA1-related PDHc deficiency based on the ACMG/AMP criteria applied: PVS1, PS2, PM2 (last assessment October 15, 2024).

Literature cited by the submitters: PubMed 21914562 (cited by Variantyx, Inc.); PubMed 33504798 (cited by Variantyx, Inc.); PubMed 34138529 (cited by Variantyx, Inc.); DOI 10.1093/brain/awaf430 (cited by PDHA1 Study Group, University Children’s Hospital, Paracelsus Medical University).

NM_000284.4(PDHA1):c.421C>T (p.Arg141Ter)

Gene: PDHA1 (pyruvate dehydrogenase E1 subunit alpha 1; plus strand). Cytogenetic location: Xp22.12.
Variant type: single nucleotide variant.
Coding change: c.421C>T on transcript NM_000284.4 (MANE Select); coding-DNA position 421, C replaced by T.
Protein change: p.Arg141Ter; replaces arginine 141 with a stop codon.
Molecular consequence: nonsense.
Genome position (GRCh38, 1-based): chrX:19,353,084, C>T. VCF-style: chrX-19353084-C-T. GRCh37 (hg19) VCF-style: chrX-19371202-C-T.
Other names: c.535C>T, p.Arg179Ter (NM_001173454.2); c.442C>T, p.Arg148Ter (NM_001173455.2); c.421C>T, p.Arg141Ter (NM_001173456.2); short protein forms R141*, R148*, R179*.
Identifiers: ClinVar variation 4070319 (VCV004070319.1).